The following is an entry in ClinVar:

ClinVar aggregate classification (germline): Uncertain significance (1 of 4 stars; one submission).

Conditions:
Ullrich congenital muscular dystrophy 2 (UCMD2). Identifiers: Orphanet 75840, MedGen C4225314, MONDO:0014654, OMIM 616470.
Bethlem myopathy 2 (BTHLM2). Identifiers: Orphanet 536516, Orphanet 610, MedGen C4225313, MONDO:0034022, OMIM 616471.

gnomAD v4.1: 1 of 1,614,114 alleles (0.000062%); highest among the groups gnomAD compares: African/African-American, 0.0013%; no homozygotes.

Submission:

Labcorp Genetics (formerly Invitae), Labcorp
Classification: Uncertain significance for Bethlem myopathy 2; Ullrich congenital muscular dystrophy 2. Last evaluated: 2025-09-28. Review status: criteria provided, single submitter. Criteria: Invitae Variant Classification Sherloc (09022015). Collection method: clinical testing. Allele origin: germline.
Comment: This sequence change replaces isoleucine, which is neutral and non-polar, with valine, which is neutral and non-polar, at codon 451 of the COL12A1 protein (p.Ile451Val). This variant is not present in population databases (gnomAD no frequency). This variant has not been reported in the literature in individuals affected with COL12A1-related conditions. Invitae Evidence Modeling of protein sequence and biophysical properties (such as structural, functional, and spatial information, amino acid conservation, physicochemical variation, residue mobility, and thermodynamic stability) indicates that this missense variant is expected to disrupt COL12A1 protein function with a positive predictive value of 80%. In summary, the available evidence is currently insufficient to determine the role of this variant in disease. Therefore, it has been classified as a Variant of Uncertain Significance.

NM_004370.6(COL12A1):c.1351A>G (p.Ile451Val)

Gene: COL12A1 (collagen type XII alpha 1 chain; minus strand). Cytogenetic location: 6q13.
Variant type: single nucleotide variant.
Coding change: c.1351A>G on transcript NM_004370.6 (MANE Select); coding-DNA position 1351, A replaced by G.
Protein change: p.Ile451Val; replaces isoleucine 451 with valine.
Molecular consequence: missense variant. On other transcripts: intron variant (2).
Genome position (GRCh38, 1-based): chr6:75,183,590, T>C on the plus strand (A>G on the coding strand, the complement: COL12A1 is on the minus strand). VCF-style: chr6-75183590-T-C. GRCh37 (hg19) VCF-style: chr6-75893306-T-C.
Other names: c.1351A>G, p.Ile451Val (NM_001424113.1, NM_001424114.1, NM_001424115.1); c.73+19130A>G (NM_001424116.1, NM_080645.3); short protein forms I451V.
Identifiers: ClinVar variation 4792823 (VCV004792823.1).